The following is an entry in ClinVar:

ClinVar aggregate classification (germline): Likely benign (1 of 4 stars; one submission).

Allele frequency attached by ClinVar (database versions not stated): gnomAD exomes below 0.00001; TOPMed 0.00001; gnomAD 0.00002.
gnomAD v4.1: 11 of 1,614,078 alleles (0.00068%); highest among the groups gnomAD compares: Non-Finnish European, 0.00085%; no homozygotes.

Submission:

GeneDx
Classification: Likely benign. Last evaluated: 2018-05-23. Review status: criteria provided, single submitter. Criteria: GeneDx Variant Classification (06012015). Collection method: clinical testing. Allele origin: germline. Affected: yes.
Comment: This variant is considered likely benign or benign based on one or more of the following criteria: it is a conservative change, it occurs at a poorly conserved position in the protein, it is predicted to be benign by multiple in silico algorithms, and/or has population frequency not consistent with disease.

NM_004817.4(TJP2):c.1557C>T (p.Asp519=)

Gene: TJP2 (tight junction protein 2; plus strand). Cytogenetic location: 9q21.11.
Variant type: single nucleotide variant.
Coding change: c.1557C>T on transcript NM_004817.4 (MANE Select); coding-DNA position 1557, C replaced by T.
Protein change: p.Asp519=; no amino-acid change (aspartic acid 519 retained).
Molecular consequence: synonymous variant.
Genome position (GRCh38, 1-based): chr9:69,230,118, C>T. VCF-style: chr9-69230118-C-T. GRCh37 (hg19) VCF-style: chr9-71845034-C-T.
Other names: c.1488C>T, p.Asp496= (NM_001170414.2, NM_001369871.1); c.1569C>T, p.Asp523= (NM_001170415.1, NM_001369874.1, NM_001369875.1); c.1650C>T, p.Asp550= (NM_001170416.2); c.1482C>T, p.Asp494= (NM_001369870.1); c.1557C>T, p.Asp519= (NM_001369872.1, NM_001369873.1, NM_201629.3).
Identifiers: ClinVar variation 668369 (VCV000668369.1), dbSNP rs1461192304, ClinGen allele CA465247574.